The following is an entry in ClinVar:

ClinVar aggregate classification (germline): Uncertain significance (1 of 4 stars; one submission).

Conditions:
Joubert syndrome. Also called: CEREBELLOPARENCHYMAL DISORDER IV; JOUBERT-BOLTSHAUSER SYNDROME; Familial aplasia of the vermis. Identifiers: Orphanet 475, MedGen C5979921, MONDO:0018772.

Submission:

Labcorp Genetics (formerly Invitae), Labcorp
Classification: Uncertain significance for Joubert syndrome. Last evaluated: 2021-08-18. Review status: criteria provided, single submitter. Criteria: Invitae Variant Classification Sherloc (09022015). Collection method: clinical testing. Allele origin: germline.
Comment: In summary, the available evidence is currently insufficient to determine the role of this variant in disease. Therefore, it has been classified as a Variant of Uncertain Significance. Advanced modeling of protein sequence and biophysical properties (such as structural, functional, and spatial information, amino acid conservation, physicochemical variation, residue mobility, and thermodynamic stability) performed at Invitae indicates that this missense variant is not expected to disrupt AHI1 protein function. This variant has not been reported in the literature in individuals affected with AHI1-related conditions. This variant is not present in population databases (ExAC no frequency). This sequence change replaces leucine with phenylalanine at codon 252 of the AHI1 protein (p.Leu252Phe). The leucine residue is weakly conserved and there is a small physicochemical difference between leucine and phenylalanine.

NM_001134831.2(AHI1):c.756G>C (p.Leu252Phe)

Gene: AHI1 (Abelson helper integration site 1; minus strand). Cytogenetic location: 6q23.3.
Variant type: single nucleotide variant.
Coding change: c.756G>C on transcript NM_001134831.2 (MANE Select); coding-DNA position 756, G replaced by C.
Protein change: p.Leu252Phe; replaces leucine 252 with phenylalanine.
Molecular consequence: missense variant.
Genome position (GRCh38, 1-based): chr6:135,463,300, C>G on the plus strand (G>C on the coding strand, the complement: AHI1 is on the minus strand). VCF-style: chr6-135463300-C-G. GRCh37 (hg19) VCF-style: chr6-135784438-C-G.
Other names: c.756G>C, p.Leu252Phe (NM_001134830.2, NM_001134832.2, NM_001350503.2 and 2 more transcripts); short protein forms L252F.
Identifiers: ClinVar variation 1375933 (VCV001375933.6), dbSNP rs1790220318, ClinGen allele CA365749594.